The following is an entry in ClinVar:

NM_000051.4(ATM):c.6725C>A (p.Ser2242Ter)

Genes: ATM (ATM serine/threonine kinase; plus strand), C11orf65 (chromosome 11 open reading frame 65; minus strand). Cytogenetic location: 11q22.3.
Variant type: single nucleotide variant.
Coding change: c.6725C>A on transcript NM_000051.4 (MANE Select); coding-DNA position 6725, C replaced by A.
Protein change: p.Ser2242Ter; replaces serine 2242 with a stop codon.
Molecular consequence: nonsense. On other transcripts: intron variant (2).
Genome position (GRCh38, 1-based): chr11:108,325,462, C>A. VCF-style: chr11-108325462-C-A. GRCh37 (hg19) VCF-style: chr11-108196189-C-A.
Other names: c.6725C>A, p.Ser2242Ter (NM_001351834.2); c.641-16391G>T (NM_001330368.2); c.*38+9758G>T (NM_001351110.2); short protein forms S2242*.
Identifiers: ClinVar variation 3255491 (VCV003255491.3), dbSNP rs2136314573.

ClinVar aggregate classification (germline): Pathogenic (1 of 4 stars; one submission).

Conditions:
Ataxia-telangiectasia syndrome (AT). Also called: Ataxia-telangiectasia; Ataxia-telangiectasia, complementation group D; AT, COMPLEMENTATION GROUP C; Ataxia-telangiectasia, complementation group E; LOUIS-BAR SYNDROME; Cerebello-oculocutaneous telangiectasia. Identifiers: Orphanet 100, MedGen C0004135, MONDO:0008840, OMIM 208900.

Submission:

Kasturba Medical College, Manipal, Kasturba Medical College, Manipal, Manipal Academy of Higher Education, Manipal, India
Classification: Pathogenic for Ataxia-telangiectasia syndrome. Last evaluated: 2025-10-23. Review status: criteria provided, single submitter. Criteria: ACMG Guidelines, 2015. Collection method: clinical testing. Allele origin: paternal. Inheritance: Autosomal recessive inheritance. Affected: yes. Observed: 1 compound heterozygote.
Comment: This variant is not reported in a homozygous and/or heterozygous state in the gnomAD population database (v4.1.0). This variant is absent in a homozygous state and present in a similarly affected individual in a compound heterozygous state in our in-house exome database of 3840 individuals (ClinVar Accession: VCV003255491.2). This variant is predicted to introduce a premature termination codon, which may either trigger nonsense-mediated mRNA decay or result in a truncated protein product.